The following is an entry in ClinVar:

Conditions:
Long QT syndrome 5 (LQT5). Identifiers: Orphanet 101016, Orphanet 768, MedGen C1867904, MONDO:0013372, OMIM 613695.

Submission:

Roden Lab, Vanderbilt University Medical Center
No classification provided (evidence only). Condition: Long QT syndrome 5. Review status: no classification provided. Collection method: in vitro. Allele origin: not applicable. Functional consequence: Effect on ion channel function.
ClinVar note: "not provided" was previously submitted as the classification for the variant. However, the classification appeared to be based only on an observation of functional data so it was converted to no classification on 2025-07-30.

NM_000219.6(KCNE1):c.193T>A (p.Tyr65Asn)

Gene: KCNE1 (potassium voltage-gated channel subfamily E regulatory subunit 1; minus strand). Cytogenetic location: 21q22.12.
Variant type: single nucleotide variant.
Coding change: c.193T>A on transcript NM_000219.6 (MANE Select); coding-DNA position 193, T replaced by A.
Protein change: p.Tyr65Asn; replaces tyrosine 65 with asparagine.
Molecular consequence: missense variant.
Genome position (GRCh38, 1-based): chr21:34,449,442, A>T on the plus strand (T>A on the coding strand, the complement: KCNE1 is on the minus strand). VCF-style: chr21-34449442-A-T. GRCh37 (hg19) VCF-style: chr21-35821740-A-T.
Other names: c.193T>A, p.Tyr65Asn (NM_001127670.4, NM_001270402.3, NM_001270403.2 and 4 more transcripts); short protein forms Y65N.
Identifiers: ClinVar variation 3374294 (VCV003374294.2).